The following is an entry in ClinVar:

NM_001999.4(FBN2):c.142C>A (p.Arg48=)

Gene: FBN2 (fibrillin 2; minus strand). Cytogenetic location: 5q23.3.
Variant type: single nucleotide variant.
Coding change: c.142C>A on transcript NM_001999.4 (MANE Select); coding-DNA position 142, C replaced by A.
Protein change: p.Arg48=; no amino-acid change (arginine 48 retained).
Molecular consequence: synonymous variant.
Genome position (GRCh38, 1-based): chr5:128,537,462, G>T on the plus strand (C>A on the coding strand, the complement: FBN2 is on the minus strand). VCF-style: chr5-128537462-G-T. GRCh37 (hg19) VCF-style: chr5-127873155-G-T.
Identifiers: ClinVar variation 509342 (VCV000509342.1), dbSNP rs1409799200, ClinGen allele CA446308953.

ClinVar aggregate classification (germline): Likely benign (1 of 4 stars; one submission).

Allele frequency attached by ClinVar (database versions not stated): gnomAD exomes below 0.00001.
gnomAD v4.1: 1 of 1,605,802 alleles (0.000062%); highest among the groups gnomAD compares: Non-Finnish European, 0.000085%; no homozygotes.

Submission:

GeneDx
Classification: Likely benign. Last evaluated: 2017-05-10. Review status: criteria provided, single submitter. Criteria: GeneDx Variant Classification (06012015). Collection method: clinical testing. Allele origin: germline. Affected: yes.
Comment: This variant is considered likely benign or benign based on one or more of the following criteria: it is a conservative change, it occurs at a poorly conserved position in the protein, it is predicted to be benign by multiple in silico algorithms, and/or has population frequency not consistent with disease.